The following is an entry in ClinVar:

ClinVar aggregate classification (germline): Uncertain significance (1 of 4 stars; one submission).

Conditions:
Spondyloepiphyseal dysplasia with congenital joint dislocations (SEDCJD). Also called: Chondrodysplasia with Congenital Joint Dislocations, CHST3-Related. Identifiers: Orphanet 263463, MedGen C1837657, MONDO:0007738, OMIM 143095.

Allele frequency attached by ClinVar (database versions not stated): TOPMed 0.00002; gnomAD 0.00004.
gnomAD v4.1: 95 of 1,605,042 alleles (0.0059%); highest among the groups gnomAD compares: Non-Finnish European, 0.0077%; no homozygotes.

Submission:

Labcorp Genetics (formerly Invitae), Labcorp
Classification: Uncertain significance for Spondyloepiphyseal dysplasia with congenital joint dislocations. Last evaluated: 2022-08-13. Review status: criteria provided, single submitter. Criteria: Invitae Variant Classification Sherloc (09022015). Collection method: clinical testing. Allele origin: germline.
Comment: This sequence change replaces proline, which is neutral and non-polar, with leucine, which is neutral and non-polar, at codon 126 of the CHST3 protein (p.Pro126Leu). This variant is present in population databases (rs371091098, gnomAD 0.009%). This variant has not been reported in the literature in individuals affected with CHST3-related conditions. Algorithms developed to predict the effect of missense changes on protein structure and function (SIFT, PolyPhen-2, Align-GVGD) all suggest that this variant is likely to be tolerated. In summary, the available evidence is currently insufficient to determine the role of this variant in disease. Therefore, it has been classified as a Variant of Uncertain Significance.

NM_004273.5(CHST3):c.377C>T (p.Pro126Leu)

Gene: CHST3 (carbohydrate sulfotransferase 3; plus strand). Cytogenetic location: 10q22.1.
Variant type: single nucleotide variant.
Coding change: c.377C>T on transcript NM_004273.5 (MANE Select); coding-DNA position 377, C replaced by T.
Protein change: p.Pro126Leu; replaces proline 126 with leucine.
Molecular consequence: missense variant.
Genome position (GRCh38, 1-based): chr10:72,007,408, C>T. VCF-style: chr10-72007408-C-T. GRCh37 (hg19) VCF-style: chr10-73767166-C-T.
Other names: short protein forms P126L.
Identifiers: ClinVar variation 2154553 (VCV002154553.1), dbSNP rs371091098, ClinGen allele CA5548076.